The following is an entry in ClinVar:

ClinVar aggregate classification (germline): Conflicting classifications of pathogenicity. Review status: criteria provided, conflicting classifications (1 of 4 stars). 3 submissions from 3 submitters: Likely pathogenic (1); Uncertain significance (1). 1 of the submissions does not count toward it. Last evaluated 2023-01-04.

Conditions:
Familial long QT syndrome (RWS). Also called: Congenital long QT syndrome; Romano-Ward syndrome; VENTRICULAR FIBRILLATION WITH PROLONGED QT INTERVAL. Identifiers: Orphanet 768, MedGen C1141890, MONDO:0019171.
Long QT syndrome (LQTS). Identifiers: MedGen C0023976, MeSH D008133, MONDO:0002442. Disease mechanism: loss of function. Inheritance: Various modes of inheritance.

Submissions (3):

GeneDx
Classification: Likely pathogenic. Last evaluated: 2023-01-04. Review status: criteria provided, single submitter. Criteria: GeneDx Variant Classification Process June 2021. Collection method: clinical testing. Allele origin: germline. Affected: yes.
Comment: Not observed in large population cohorts (gnomAD); Published functional studies suggest a damaging effect as this variant may result in a protein trafficking defect (Anderson et al., 2014; Ng et al., 2019); In silico analysis supports that this missense variant has a deleterious effect on protein structure/function; This variant is associated with the following publications: (PMID: 16414944, 25417810, 31557540, 36339618, 22581653)

Labcorp Genetics (formerly Invitae), Labcorp
Classification: Uncertain significance for Long QT syndrome. Last evaluated: 2021-11-20. Review status: criteria provided, single submitter. Criteria: Invitae Variant Classification Sherloc (09022015). Collection method: clinical testing. Allele origin: germline.
Comment: In summary, the available evidence is currently insufficient to determine the role of this variant in disease. Therefore, it has been classified as a Variant of Uncertain Significance. Experimental studies have shown that this missense change affects KCNH2 function (PMID: 25417810, 31557540). Algorithms developed to predict the effect of missense changes on protein structure and function are either unavailable or do not agree on the potential impact of this missense change (SIFT: "Deleterious"; PolyPhen-2: "Probably Damaging"; Align-GVGD: "Class C0"). ClinVar contains an entry for this variant (Variation ID: 67294). This missense change has been observed in individual(s) with long QT syndrome (PMID: 16414944). This variant is not present in population databases (gnomAD no frequency). This sequence change replaces leucine, which is neutral and non-polar, with phenylalanine, which is neutral and non-polar, at codon 615 of the KCNH2 protein (p.Leu615Phe).

Cardiovascular Biomedical Research Unit, Royal Brompton & Harefield NHS Foundation Trust
No classification provided. Condition: Familial long QT syndrome. Review status: no classification provided. Collection method: literature only. Allele origin: germline. Not counted in ClinVar's aggregate classification.
Comment: This variant has been reported as associated with Long QT syndrome in the following publications (PMID:16414944). This is a literature report, and does not necessarily reflect the clinical interpretation of the Imperial College / Royal Brompton Cardiovascular Genetics laboratory.

Literature cited by the submitters: PubMed 25417810 (cited by Labcorp Genetics (formerly Invitae), Labcorp); PubMed 31557540 (cited by Labcorp Genetics (formerly Invitae), Labcorp); PubMed 16414944 (cited by Labcorp Genetics (formerly Invitae), Labcorp and Cardiovascular Biomedical Research Unit, Royal Brompton & Harefield NHS Foundation Trust); PubMed 22581653 (cited by Cardiovascular Biomedical Research Unit, Royal Brompton & Harefield NHS Foundation Trust).

NM_000238.4(KCNH2):c.1843C>T (p.Leu615Phe)

Gene: KCNH2 (potassium voltage-gated channel subfamily H member 2; minus strand). Cytogenetic location: 7q36.1.
Variant type: single nucleotide variant.
Coding change: c.1843C>T on transcript NM_000238.4 (MANE Select); coding-DNA position 1843, C replaced by T.
Protein change: p.Leu615Phe; replaces leucine 615 with phenylalanine.
Molecular consequence: missense variant.
Genome position (GRCh38, 1-based): chr7:150,951,550, G>A on the plus strand (C>T on the coding strand, the complement: KCNH2 is on the minus strand). VCF-style: chr7-150951550-G-A. GRCh37 (hg19) VCF-style: chr7-150648638-G-A.
Other names: c.1843C>T (LRG_288t1); c.823C>T, p.Leu275Phe (NM_001204798.2, NM_172057.3); c.1555C>T, p.Leu519Phe (NM_001406753.1, NM_001406756.1); c.1666C>T, p.Leu556Phe (NM_001406755.1); c.1543C>T, p.Leu515Phe (NM_001406757.1); c.1843C>T, p.Leu615Phe (NM_172056.3); short protein forms L275F, L615F, L515F, L519F, L556F.
Identifiers: ClinVar variation 67294 (VCV000067294.11), dbSNP rs199472945, ClinGen allele CA005667.